The following is an entry in ClinVar:

NM_017950.4(CCDC40):c.676+4C>A

Gene: CCDC40 (coiled-coil domain 40 molecular ruler complex subunit; plus strand). Cytogenetic location: 17q25.3.
Variant type: single nucleotide variant.
Coding change: c.676+4C>A on transcript NM_017950.4 (MANE Select); 4 bases into the intron after coding-DNA position 676, C replaced by A.
Molecular consequence: intron variant.
Genome position (GRCh38, 1-based): chr17:80,047,406, C>A. VCF-style: chr17-80047406-C-A. GRCh37 (hg19) VCF-style: chr17-78021205-C-A.
Other names: c.676+4C>A (NM_001243342.2, NM_001330508.2).
Identifiers: ClinVar variation 1043760 (VCV001043760.9), dbSNP rs2037454418, ClinGen allele CA2277782387.

ClinVar aggregate classification (germline): Uncertain significance (1 of 4 stars; one submission).

Conditions:
Primary ciliary dyskinesia. Also called: Ciliary dyskinesia. Identifiers: Orphanet 244, MedGen C0008780, MONDO:0016575, HP:0012265.

Allele frequency attached by ClinVar (database versions not stated): TOPMed 0.00001.

Submission:

Labcorp Genetics (formerly Invitae), Labcorp
Classification: Uncertain significance for Primary ciliary dyskinesia. Last evaluated: 2023-08-10. Review status: criteria provided, single submitter. Criteria: Invitae Variant Classification Sherloc (09022015). Collection method: clinical testing. Allele origin: germline.
Comment: This variant is not present in population databases (gnomAD no frequency). This sequence change falls in intron 4 of the CCDC40 gene. It does not directly change the encoded amino acid sequence of the CCDC40 protein. It affects a nucleotide within the consensus splice site. This variant has not been reported in the literature in individuals affected with CCDC40-related conditions. ClinVar contains an entry for this variant (Variation ID: 1043760). Variants that disrupt the consensus splice site are a relatively common cause of aberrant splicing (PMID: 17576681, 9536098). Algorithms developed to predict the effect of sequence changes on RNA splicing suggest that this variant is not likely to affect RNA splicing. In summary, the available evidence is currently insufficient to determine the role of this variant in disease. Therefore, it has been classified as a Variant of Uncertain Significance.

Literature cited by the submitters: PubMed 17576681; PubMed 9536098.